The following is an entry in ClinVar:

NM_001363.5(DKC1):c.1056A>G (p.Thr352=)

Gene: DKC1 (dyskerin pseudouridine synthase 1; plus strand). Cytogenetic location: Xq28.
Variant type: single nucleotide variant.
Coding change: c.1056A>G on transcript NM_001363.5 (MANE Select); coding-DNA position 1056, A replaced by G.
Protein change: p.Thr352=; no amino-acid change (threonine 352 retained).
Molecular consequence: synonymous variant. On other transcripts: non-coding transcript variant (3).
Genome position (GRCh38, 1-based): chrX:154,773,150, A>G. VCF-style: chrX-154773150-A-G. GRCh37 (hg19) VCF-style: chrX-154001425-A-G.
Other names: c.1056A>G, p.Thr352= (NM_001142463.3, NM_001288747.2).
Identifiers: ClinVar variation 5040464 (VCV005040464.1).

ClinVar aggregate classification (germline): Likely benign (1 of 4 stars; one submission).

Submission:

CeGaT Center for Human Genetics Tuebingen
Classification: Likely benign. Last evaluated: 2026-08-01. Review status: criteria provided, single submitter. Criteria: CeGaT Center For Human Genetics Tuebingen Variant Classification Criteria Version 2. Collection method: clinical testing. Allele origin: germline. Affected: yes. Observed: 1 variant allele.
Comment: DKC1: PM2:Supporting, BP4, BP7